The following is an entry in ClinVar:

NM_001277058.2(ERCC6):c.2442A>G (p.Gln814=)

Genes: ERCC6 (ERCC excision repair 6, chromatin remodeling factor; minus strand), PGBD3 (piggyBac transposable element derived 3; minus strand). Cytogenetic location: 10q11.23.
Variant type: single nucleotide variant.
Coding change: c.2442A>G on transcript NM_001277058.2 (MANE Plus Clinical); coding-DNA position 2442, A replaced by G.
Protein change: p.Gln814=; no amino-acid change (glutamine 814 retained).
Molecular consequence: synonymous variant. On other transcripts: intron variant (2).
Genome position (GRCh38, 1-based): chr10:49,516,077, T>C on the plus strand (A>G on the coding strand, the complement: ERCC6 is on the minus strand). VCF-style: chr10-49516077-T-C. GRCh37 (hg19) VCF-style: chr10-50724123-T-C.
Other names: c.2442A>G, p.Gln814= (NM_001277059.2); c.1038A>G, p.Gln346= (NM_170753.3); c.1397+7956A>G (NM_001346440.2, NM_000124.4).
Identifiers: ClinVar variation 2640453 (VCV002640453.24), dbSNP rs1564436839, ClinGen allele CA469789374.

ClinVar aggregate classification (germline): Likely benign (1 of 4 stars; one submission).

Allele frequency attached by ClinVar (database versions not stated): gnomAD 0.00001; gnomAD exomes 0.00001.
gnomAD v4.1: 15 of 1,614,172 alleles (0.00093%); highest among the groups gnomAD compares: Non-Finnish European, 0.0012%; no homozygotes.

Submission:

CeGaT Center for Human Genetics Tuebingen
Classification: Likely benign. Last evaluated: 2023-02-01. Review status: criteria provided, single submitter. Criteria: CeGaT Center For Human Genetics Tuebingen Variant Classification Criteria Version 2. Collection method: clinical testing. Allele origin: germline. Affected: yes. Observed: 1 variant allele.
Comment: ERCC6: BP4, BP7; PGBD3: BP4, BP7